The following is an entry in ClinVar:

ClinVar aggregate classification (germline): Conflicting classifications of pathogenicity. Review status: criteria provided, conflicting classifications (1 of 4 stars). 3 submissions from 3 submitters: Likely pathogenic (1); Uncertain significance (2). Last evaluated 2025-09-18.

Conditions:
Autosomal dominant familial hematuria-retinal arteriolar tortuosity-contractures syndrome. Also called: Angiopathy, hereditary, with nephropathy, aneurysms, and muscle cramps; Hereditary Angiopathy with Nephropathy, Aneurysms, and Muscle Cramps (HANAC) Syndrome. Identifiers: Orphanet 73229, MedGen C2673195, MONDO:0012726, OMIM 611773.
Hemorrhage, intracerebral, susceptibility to (ICH). Also called: Stroke, hemorrhagic, susceptibility to. Identifiers: MedGen C3281105, MONDO:0100533, OMIM 614519.
Brain small vessel disease 1 with or without ocular anomalies (BSVD1). Also called: GOULD SYNDROME 1; Brain small vessel disease with or without ocular anomalies; BRAIN SMALL VESSEL DISEASE WITH HEMORRHAGE; PORENCEPHALY, TYPE 1, AUTOSOMAL DOMINANT. Identifiers: Orphanet 2940, Orphanet 36383, Orphanet 99810, MedGen C4755307, MONDO:0008289, OMIM 175780.
Microangiopathy and leukoencephalopathy, pontine, autosomal dominant. Also called: DEMENTIA, HEREDITARY MULTI-INFARCT, SWEDISH TYPE; Pontine autosomal dominant microangiopathy with leukoencephalopathy. Identifiers: Orphanet 477749, MedGen C5231411, MONDO:0032814, OMIM 618564.
Retinal arterial tortuosity. Also called: RETINAL HEMORRHAGE WITH VASCULAR TORTUOSITY; Retinal arteries, tortuosity of. Identifiers: Orphanet 75326, MedGen C0423401, MONDO:0008373, OMIM 180000, HP:0000631.

Allele frequency attached by ClinVar (database versions not stated): ExAC 0.00001; gnomAD 0.00001.
gnomAD v4.1: 1 of 1,614,122 alleles (0.000062%); no homozygotes.

Submissions (3):

GeneDx
Classification: Uncertain significance. Last evaluated: 2025-09-18. Review status: criteria provided, single submitter. Criteria: GeneDx Variant Classification Process June 2021. Collection method: clinical testing. Allele origin: germline. Affected: yes.
Comment: In silico analysis supports that this missense variant has a deleterious effect on protein structure/function; Has not been previously published as pathogenic or benign to our knowledge

Blueprint Genetics
Classification: Uncertain significance. Last evaluated: 2022-02-03. Review status: criteria provided, single submitter. Criteria: ACMG Guidelines, 2015. Collection method: clinical testing. Allele origin: germline.

Juno Genomics, Hangzhou Juno Genomics, Inc
Classification: Likely pathogenic for Retinal arterial tortuosity; Hemorrhage, intracerebral, susceptibility to; Autosomal dominant familial hematuria-retinal arteriolar tortuosity-contractures syndrome; Brain small vessel disease 1 with or without ocular anomalies; Microangiopathy and leukoencephalopathy, pontine, autosomal dominant. Review status: criteria provided, single submitter. Criteria: ACMG Guidelines, 2015. Collection method: clinical testing. Allele origin: germline. Affected: yes.
Comment: Absent from controls (or at extremely low frequency if recessive) in Genome Aggregation Database.;De novo (both maternity and paternity confirmed) in a patient with the disease and no family history.;Multiple lines of computational evidence support a deleterious effect on the gene or gene product.;Missense variant in a gene that has a low rate of benign missense variation.

NM_001845.6(COL4A1):c.4352A>G (p.His1451Arg)

Gene: COL4A1 (collagen type IV alpha 1 chain; minus strand). Cytogenetic location: 13q34.
Variant type: single nucleotide variant.
Coding change: c.4352A>G on transcript NM_001845.6 (MANE Select); coding-DNA position 4352, A replaced by G.
Protein change: p.His1451Arg; replaces histidine 1451 with arginine.
Molecular consequence: missense variant.
Genome position (GRCh38, 1-based): chr13:110,162,340, T>C on the plus strand (A>G on the coding strand, the complement: COL4A1 is on the minus strand). VCF-style: chr13-110162340-T-C. GRCh37 (hg19) VCF-style: chr13-110814687-T-C.
Other names: short protein forms H1451R.
Identifiers: ClinVar variation 2578196 (VCV002578196.4), dbSNP rs767464071, ClinGen allele CA7046951.